The following is an entry in ClinVar:

Conditions:
Breast-ovarian cancer, familial, susceptibility to, 1 (BROVCA1). Also called: BRCA1 Hereditary Breast and Ovarian Cancer; OVARIAN CANCER, SUSCEPTIBILITY TO. Identifiers: Orphanet 145, MedGen C2676676, MONDO:0011450, OMIM 604370. Disease mechanism: loss of function.

Submission:

Brotman Baty Institute, University of Washington
No classification provided (evidence only). Condition: Breast-ovarian cancer, familial 1. Review status: no classification provided. Collection method: in vitro. Allele origin: not applicable. Functional consequence: functionally_normal.
ClinVar note: "not provided" was previously submitted as the classification for the variant. However, the classification appeared to be based only on an observation of functional data so it was converted to no classification on 2025-07-30.

NM_007294.4(BRCA1):c.-5A>T

Gene: BRCA1 (BRCA1 DNA repair associated; minus strand). Cytogenetic location: 17q21.31.
Variant type: single nucleotide variant.
Coding change: c.-5A>T on transcript NM_007294.4 (MANE Select); 5 bases upstream of the start codon, A replaced by T.
Molecular consequence: 5 prime UTR variant. On other transcripts: non-coding transcript variant (1).
Genome position (GRCh38, 1-based): chr17:43,124,101, T>A on the plus strand (A>T on the coding strand, the complement: BRCA1 is on the minus strand). VCF-style: chr17-43124101-T-A. GRCh37 (hg19) VCF-style: chr17-41276118-T-A.
Other names: c.-193A>T (NM_001407571.1, NM_001407853.1, NM_001407879.1 and 46 more transcripts); c.-5A>T (NM_001407581.1, NM_001407582.1, NM_001407583.1 and 193 more transcripts); c.-262A>T (NM_001407694.1, NM_001407724.1, NM_001407727.1 and 11 more transcripts); c.-266A>T (NM_001407695.1, NM_001408465.1); c.-407A>T (NM_001407696.1); c.-291A>T (NM_001407697.1, NM_001407846.1, NM_001407920.1); c.-92A>T (NM_001407698.1, NM_001407732.1, NM_001407736.1 and 23 more transcripts); c.-265A>T (NM_001407725.1, NM_001407730.1, NM_001407734.1 and 22 more transcripts); and 8 more.
Identifiers: ClinVar variation 869047 (VCV000869047.3), dbSNP rs1567823528, ClinGen allele CA916081141.